The following is an entry in ClinVar:

NM_001287491.2(TET3):c.1113G>A (p.Pro371=)

Gene: TET3 (tet methylcytosine dioxygenase 3; plus strand). Cytogenetic location: 2p13.1.
Variant type: single nucleotide variant.
Coding change: c.1113G>A on transcript NM_001287491.2 (MANE Select); coding-DNA position 1113, G replaced by A.
Protein change: p.Pro371=; no amino-acid change (proline 371 retained).
Molecular consequence: synonymous variant.
Genome position (GRCh38, 1-based): chr2:74,047,030, G>A. VCF-style: chr2-74047030-G-A. GRCh37 (hg19) VCF-style: chr2-74274157-G-A.
Other names: c.834G>A, p.Pro278= (NM_001366022.1); c.708G>A, p.Pro236= (NM_144993.1); c.1113G>A (NM_001287491.1).
Identifiers: ClinVar variation 2651037 (VCV002651037.26), dbSNP rs146447469, ClinGen allele CA1718528.

ClinVar aggregate classification (germline): Likely benign. Review status: criteria provided, multiple submitters, no conflicts (2 of 4 stars). 3 submissions from 3 submitters: Likely benign (2). 1 of the submissions does not count toward it. Last evaluated 2024-11-18.

Conditions:
TET3-related disorder. Also called: TET3-Related Disease; TET3-related condition.

Allele frequency attached by ClinVar (database versions not stated): ESP Exome Variant Server 0.00064; 1000 Genomes Project 30x 0.00094; 1000 Genomes Project 0.00120.
gnomAD v4.1: 716 of 1,613,868 alleles (0.044%); highest among the groups gnomAD compares: Middle Eastern, 0.083%; 1 homozygote.

Submissions (3):

Blueprint Genetics
Classification: Likely benign. Last evaluated: 2024-11-18. Review status: criteria provided, single submitter. Criteria: ACMG Guidelines, 2015. Collection method: clinical testing. Allele origin: germline.

CeGaT Center for Human Genetics Tuebingen
Classification: Likely benign. Last evaluated: 2022-07-01. Review status: criteria provided, single submitter. Criteria: CeGaT Center For Human Genetics Tuebingen Variant Classification Criteria Version 2. Collection method: clinical testing. Allele origin: germline. Affected: yes. Observed: 1 variant allele.
Comment: TET3: BP4, BP7

PreventionGenetics, part of Exact Sciences
Classification: Likely benign for TET3-related condition. Last evaluated: 2019-12-12. Review status: no assertion criteria provided. Collection method: clinical testing. Allele origin: germline. Not counted in ClinVar's aggregate classification.
Comment: This variant is classified as likely benign based on ACMG/AMP sequence variant interpretation guidelines (Richards et al. 2015 PMID: 25741868, with internal and published modifications).